The following is an entry in ClinVar:

NM_021619.3(PRDM12):c.499G>A (p.Ala167Thr)

Gene: PRDM12 (PR/SET domain 12; plus strand). Cytogenetic location: 9q34.12.
Variant type: single nucleotide variant.
Coding change: c.499G>A on transcript NM_021619.3 (MANE Select); coding-DNA position 499, G replaced by A.
Protein change: p.Ala167Thr; replaces alanine 167 with threonine.
Molecular consequence: missense variant.
Genome position (GRCh38, 1-based): chr9:130,668,242, G>A. VCF-style: chr9-130668242-G-A. GRCh37 (hg19) VCF-style: chr9-133543629-G-A.
Other names: short protein forms A167T.
Identifiers: ClinVar variation 475815 (VCV000475815.8), dbSNP rs1554752141, ClinGen allele CA375247082.

ClinVar aggregate classification (germline): Uncertain significance (1 of 4 stars; one submission).

Conditions:
Congenital insensitivity to pain-hypohidrosis syndrome. Also called: HSAN VIII; Neuropathy, hereditary sensory and autonomic, type VIII. Identifiers: Orphanet 478664, MedGen C4225308, MONDO:0014662, OMIM 616488.

Submission:

Labcorp Genetics (formerly Invitae), Labcorp
Classification: Uncertain significance for Congenital insensitivity to pain-hypohidrosis syndrome. Last evaluated: 2017-03-06. Review status: criteria provided, single submitter. Criteria: Invitae Variant Classification Sherloc (09022015). Collection method: clinical testing. Allele origin: germline.
Comment: This sequence change replaces alanine with threonine at codon 167 of the PRDM12 protein (p.Ala167Thr). The alanine residue is highly conserved and there is a small physicochemical difference between alanine and threonine. This variant is not present in population databases (ExAC no frequency) and has not been reported in the literature in individuals with a PRDM12-related disease. In summary, this variant is a novel missense change with uncertain impact on protein function. It has been classified as a Variant of Uncertain Significance. Algorithms developed to predict the effect of missense changes on protein structure and function do not agree on the potential impact of this missense change (SIFT: "Deleterious"; PolyPhen-2: "Probably Damaging"; Align-GVGD: "Class C0").